The following is an entry in ClinVar:

NM_025136.4(OPA3):c.226G>T (p.Ala76Ser)

Genes: OPA3 (outer mitochondrial membrane lipid metabolism regulator OPA3; minus strand), OPA3-RTN2 (OPA3-RTN2 readthrough; minus strand). Cytogenetic location: 19q13.32.
Variant type: single nucleotide variant.
Coding change: c.226G>T on transcript NM_025136.4 (MANE Select); coding-DNA position 226, G replaced by T.
Protein change: p.Ala76Ser; replaces alanine 76 with serine.
Molecular consequence: missense variant. On other transcripts: intron variant (1).
Genome position (GRCh38, 1-based): chr19:45,553,828, C>A on the plus strand (G>T on the coding strand, the complement: OPA3 is on the minus strand). VCF-style: chr19-45553828-C-A. GRCh37 (hg19) VCF-style: chr19-46057086-C-A.
Other names: c.143-24372G>T (NM_001017989.3); short protein forms A76S.
Identifiers: ClinVar variation 2939168 (VCV002939168.3), dbSNP rs1599964868, ClinGen allele CA406371177.
Genomic context (GRCh38, chr19:45,553,828, plus strand): 5'-AGCCGCCGCCCACGATGAAGATGGTGGCTTCGCCCAGCAGCTCTGCGCCCAGCTCAGCTG[C>A]CGCCTCCTCGTTCAGCGGCTTGATGACCGTGCCCCGGAAGCCCATGATGCGCATCTTGGT-3'
Protein context (NP_079412.1, residues 66-86): TVIKPLNEEA[Ala76Ser]AELGAELLGE

ClinVar aggregate classification (germline): Uncertain significance (1 of 4 stars; one submission).

Conditions:
Optic atrophy 3 (OPA3). Also called: Optic atrophy 3 with cataract; OPTIC ATROPHY 3, AUTOSOMAL DOMINANT; Optic atrophy, cataract, and neurologic disorder. Identifiers: Orphanet 67036, MedGen C1833809, MONDO:0008133, OMIM 165300.
3-Methylglutaconic aciduria type 3 (MGCA3). Also called: OPA3-Related 3-Methylglutaconic Aciduria; OPA3, AUTOSOMAL RECESSIVE; OPTIC ATROPHY 3, AUTOSOMAL RECESSIVE; Costeff Syndrome. Identifiers: Orphanet 67047, MedGen C0574084, MONDO:0009787, OMIM 258501.

Submission:

Labcorp Genetics (formerly Invitae), Labcorp
Classification: Uncertain significance for 3-Methylglutaconic aciduria type 3; Optic atrophy 3. Last evaluated: 2023-03-19. Review status: criteria provided, single submitter. Criteria: Invitae Variant Classification Sherloc (09022015). Collection method: clinical testing. Allele origin: germline.
Comment: This variant has not been reported in the literature in individuals affected with OPA3-related conditions. This variant is not present in population databases (gnomAD no frequency). An algorithm developed to predict the effect of missense changes on protein structure and function (PolyPhen-2) suggests that this variant is likely to be disruptive. In summary, the available evidence is currently insufficient to determine the role of this variant in disease. Therefore, it has been classified as a Variant of Uncertain Significance. This sequence change replaces alanine, which is neutral and non-polar, with serine, which is neutral and polar, at codon 76 of the OPA3 protein (p.Ala76Ser).